The following is an entry in ClinVar:

ClinVar aggregate classification (germline): Uncertain significance (1 of 4 stars; one submission).

Conditions:
Autosomal dominant nonsyndromic hearing loss 65. Also called: Deafness, autosomal dominant 65; TBC1D24-Related Autosomal Dominant Nonsyndromic Hearing Loss (DFNA). Identifiers: Orphanet 90635, MedGen C3892048, MONDO:0014470, OMIM 616044.
Developmental and epileptic encephalopathy, 1 (DEE1). Also called: INFANTILE SPASM SYNDROME, X-LINKED 1; X-linked infantile spasms; West's syndrome; Tonic spasms with clustering, arrest of psychomotor development and hypsarrhythmia on EEG; X-Linked Infantile Spasm Syndrome; OHTAHARA SYNDROME, X-LINKED. Identifiers: MedGen C3463992, MONDO:0010632, OMIM 308350. Disease mechanism: loss of function.

Allele frequency attached by ClinVar (database versions not stated): gnomAD exomes 0.00001.
gnomAD v4.1: 10 of 1,612,758 alleles (0.00062%); highest among the groups gnomAD compares: Non-Finnish European, 0.00068%; no homozygotes.

Submission:

Labcorp Genetics (formerly Invitae), Labcorp
Classification: Uncertain significance for Developmental and epileptic encephalopathy, 1; Autosomal dominant nonsyndromic hearing loss 65. Last evaluated: 2025-04-26. Review status: criteria provided, single submitter. Criteria: Invitae Variant Classification Sherloc (09022015). Collection method: clinical testing. Allele origin: germline.
Comment: This sequence change replaces valine, which is neutral and non-polar, with methionine, which is neutral and non-polar, at codon 96 of the TBC1D24 protein (p.Val96Met). This variant is not present in population databases (gnomAD no frequency). This variant has not been reported in the literature in individuals affected with TBC1D24-related conditions. ClinVar contains an entry for this variant (Variation ID: 2952157). Invitae Evidence Modeling of protein sequence and biophysical properties (such as structural, functional, and spatial information, amino acid conservation, physicochemical variation, residue mobility, and thermodynamic stability) indicates that this missense variant is not expected to disrupt TBC1D24 protein function with a negative predictive value of 80%. In summary, the available evidence is currently insufficient to determine the role of this variant in disease. Therefore, it has been classified as a Variant of Uncertain Significance.

NM_001199107.2(TBC1D24):c.286G>A (p.Val96Met)

Gene: TBC1D24 (TBC1 domain family member 24; plus strand). Cytogenetic location: 16p13.3.
Variant type: single nucleotide variant.
Coding change: c.286G>A on transcript NM_001199107.2 (MANE Select); coding-DNA position 286, G replaced by A.
Protein change: p.Val96Met; replaces valine 96 with methionine.
Molecular consequence: missense variant.
Genome position (GRCh38, 1-based): chr16:2,496,434, G>A. VCF-style: chr16-2496434-G-A. GRCh37 (hg19) VCF-style: chr16-2546435-G-A.
Other names: c.286G>A, p.Val96Met (NM_020705.3); short protein forms V96M.
Identifiers: ClinVar variation 2952157 (VCV002952157.3), dbSNP rs755097854, ClinGen allele CA276809619.
Genomic context (GRCh38, chr16:2,496,434, plus strand): 5'-GACATCGTGGGCAAGATCGTGGGCAAGCACAGCAGCAGCTGCCTGCCGCTGCCCGAGTTC[G>A]TGGACAACACGCAGGTGCCCAGCTACTGCCTGAATGCACGCGGCGAGGGGGCCGTGCGCA-3'
Protein context (NP_001186036.1, residues 86-106): SSSCLPLPEF[Val96Met]DNTQVPSYCL